The following is an entry in ClinVar:

NM_007294.4(BRCA1):c.5008A>G (p.Arg1670Gly)

Gene: BRCA1 (BRCA1 DNA repair associated; minus strand). Cytogenetic location: 17q21.31.
Variant type: single nucleotide variant.
Coding change: c.5008A>G on transcript NM_007294.4 (MANE Select); coding-DNA position 5008, A replaced by G.
Protein change: p.Arg1670Gly; replaces arginine 1670 with glycine.
Molecular consequence: missense variant. On other transcripts: non-coding transcript variant (1).
Genome position (GRCh38, 1-based): chr17:43,067,674, T>C on the plus strand (A>G on the coding strand, the complement: BRCA1 is on the minus strand). VCF-style: chr17-43067674-T-C. GRCh37 (hg19) VCF-style: chr17-41219691-T-C.
Other names: c.4675A>G, p.Arg1559Gly (NM_001407946.1, NM_001407947.1, NM_001407948.1 and 1 more transcripts); c.4672A>G, p.Arg1558Gly (NM_001407950.1, NM_001407951.1, NM_001407952.1 and 3 more transcripts); c.4120A>G, p.Arg1374Gly (NM_001407966.1); c.4117A>G, p.Arg1373Gly (NM_001407967.1); c.2404A>G, p.Arg802Gly (NM_001407968.1); c.2401A>G, p.Arg801Gly (NM_001407969.1); c.1765A>G, p.Arg589Gly (NM_001407970.1, NM_001407971.1); c.1762A>G, p.Arg588Gly (NM_001407972.1); and 70 more; short protein forms R566G, R1691G, R1623G, R1670G, R1373G, R1374G, R1501G, R1542G.
Identifiers: ClinVar variation 865526 (VCV000865526.8), dbSNP rs1057523976, ClinGen allele CA10591505.

ClinVar aggregate classification (germline): Uncertain significance (1 of 4 stars; one submission).

Conditions:
Hereditary cancer-predisposing syndrome. Also called: Tumor predisposition; Hereditary Cancer Syndrome; Hereditary neoplastic syndrome; Neoplastic Syndromes, Hereditary. Identifiers: Orphanet 140162, MedGen C0027672, MeSH D009386, MONDO:0015356.

Submissions (2):

Color Diagnostics, LLC DBA Color Health
Classification: Uncertain significance for Hereditary cancer-predisposing syndrome. Last evaluated: 2025-03-14. Review status: criteria provided, single submitter. Criteria: ACMG Guidelines, 2015. Collection method: clinical testing. Allele origin: germline.
Comment: This missense variant replaces arginine with glycine at codon 1670 of the BRCA1 protein. Computational prediction is inconclusive regarding the impact of this variant on protein structure and function. This variant protein has been reported to be functional in a haploid cell proliferation assay (PMID: 30209399) and in a functional study that examined homology-mediated repair, subcellular localization following DNA damage and phosphopeptide binding (PMID: 30257991). To our knowledge, this variant has not been reported in individuals affected with hereditary cancer in the literature. This variant has not been identified in the general population by the Genome Aggregation Database (gnomAD). Although there is a suspicion that this variant may not be associated with disease, additional studies are necessary to determine the role of this variant in disease conclusively. Therefore, this variant is classified as a Variant of Uncertain Significance.

Brotman Baty Institute, University of Washington
No classification provided (evidence only). Condition: Breast-ovarian cancer, familial 1. Review status: no classification provided. Collection method: in vitro. Allele origin: not applicable. Functional consequence: functionally_normal. Not counted in ClinVar's aggregate classification.
ClinVar note: "not provided" was previously submitted as the classification for the variant. However, the classification appeared to be based only on an observation of functional data so it was converted to no classification on 2025-07-30.

Literature cited by the submitters: PubMed 30209399 (cited by Color Diagnostics, LLC DBA Color Health); PubMed 30257991 (cited by Color Diagnostics, LLC DBA Color Health).